The following is an entry in ClinVar:

NM_001035.3(RYR2):c.14607T>C (p.Ala4869=)

Gene: RYR2 (ryanodine receptor 2; plus strand). Cytogenetic location: 1q43.
Variant type: single nucleotide variant.
Coding change: c.14607T>C on transcript NM_001035.3 (MANE Select); coding-DNA position 14607, T replaced by C.
Protein change: p.Ala4869=; no amino-acid change (alanine 4869 retained).
Molecular consequence: synonymous variant.
Genome position (GRCh38, 1-based): chr1:237,828,397, T>C. VCF-style: chr1-237828397-T-C. GRCh37 (hg19) VCF-style: chr1-237991697-T-C.
Other names: c.14607T>C (NM_001035.2).
Identifiers: ClinVar variation 3071203 (VCV003071203.3), dbSNP rs2528438052, ClinGen allele CA424051869.
Genomic context (GRCh38, chr1:237,828,397, plus strand): 5'-TCATTGCTTGATAAAGATTAAATTGTGTTTTTATTTAACACCAGGTCTAATTATTGATGC[T>C]TTTGGAGAACTAAGAGACCAACAGGAACAAGTCAAAGAAGACATGGAGGTAAGCTTCTCC-3'
Protein context (NP_001026.2, residues 4859-4879): LAIIQGLIID[Ala4869=]FGELRDQQEQ

ClinVar aggregate classification (germline): Likely benign. Review status: criteria provided, multiple submitters, no conflicts (2 of 4 stars). 3 submissions from 3 submitters: Likely benign (3). Last evaluated 2024-07-08.

Conditions:
Cardiovascular phenotype. Identifiers: MedGen CN230736.
Catecholaminergic polymorphic ventricular tachycardia (CVPT). Also called: Catecholamine-induced polymorphic ventricular tachycardia. Identifiers: Orphanet 3286, MedGen C5574922, MONDO:0017990.

Submissions (3):

Women's Health and Genetics/Laboratory Corporation of America, LabCorp
Classification: Likely benign. Last evaluated: 2024-07-08. Review status: criteria provided, single submitter. Criteria: LabCorp Variant Classification Summary - May 2015. Collection method: clinical testing. Allele origin: germline.
Comment: Variant summary: RYR2 c.14607T>C alters a non-conserved nucleotide resulting in a synonymous change. Consensus agreement among computation tools predict no significant impact on normal splicing. However, these predictions have yet to be confirmed by functional studies. The variant was absent in 184794 control chromosomes. The available data on variant occurrences in the general population are insufficient to allow any conclusion about variant significance. To our knowledge, no occurrence of c.14607T>C in individuals affected with RYR2-related conditions and no experimental evidence demonstrating its impact on protein function have been reported. ClinVar contains an entry for this variant (Variation ID: 3071203). Based on the evidence outlined above, the variant was classified as likely benign.

Ambry Genetics
Classification: Likely benign for Cardiovascular phenotype. Last evaluated: 2023-11-23. Review status: criteria provided, single submitter. Criteria: Ambry Variant Classification Scheme 2023. Collection method: clinical testing. Allele origin: germline.

All of Us Research Program, National Institutes of Health
Classification: Likely benign for Catecholaminergic polymorphic ventricular tachycardia. Last evaluated: 2023-05-16. Review status: criteria provided, single submitter. Criteria: ACMG Guidelines, 2015. Collection method: clinical testing. Allele origin: germline. Inheritance: Autosomal dominant inheritance. Observed: 1 variant allele, 1 heterozygote.
Comment: This study involves interpretation of variants in research participants for the purpose of population health screening. Participant phenotype was not available at the time of variant classification. Additional details can be found in publication PMID: 35346344, PMCID: PMC8962531